The following is an entry in ClinVar:

NM_000049.4(ASPA):c.290A>G (p.Asn97Ser)

Genes: ASPA (aspartoacylase; plus strand), SPATA22 (spermatogenesis associated 22; minus strand). Cytogenetic location: 17p13.2.
Variant type: single nucleotide variant.
Coding change: c.290A>G on transcript NM_000049.4 (MANE Select); coding-DNA position 290, A replaced by G.
Protein change: p.Asn97Ser; replaces asparagine 97 with serine.
Molecular consequence: missense variant. On other transcripts: intron variant (2).
Genome position (GRCh38, 1-based): chr17:3,481,656, A>G. VCF-style: chr17-3481656-A-G. GRCh37 (hg19) VCF-style: chr17-3384950-A-G.
Other names: c.290A>G, p.Asn97Ser (NM_001128085.1); c.-73-12258T>C (NM_001321336.2, NM_001321337.2); short protein forms N97S.
Identifiers: ClinVar variation 2147169 (VCV002147169.2), dbSNP rs763469507, ClinGen allele CA8288893.

ClinVar aggregate classification (germline): Uncertain significance. Review status: criteria provided, multiple submitters, no conflicts (2 of 4 stars). 2 submissions from 2 submitters: Uncertain significance (2). Last evaluated 2025-06-12.

Conditions:
Inborn genetic diseases. Identifiers: MedGen C0950123, MeSH D030342.
Spongy degeneration of central nervous system. Also called: ACY2 DEFICIENCY; AMINOACYLASE 2 DEFICIENCY; ASP DEFICIENCY; ASPA DEFICIENCY; ASPARTOACYLASE DEFICIENCY; CANAVAN-VAN BOGAERT-BERTRAND DISEASE. Identifiers: Orphanet 141, MedGen C0206307, MONDO:0010079, OMIM 271900.

Allele frequency attached by ClinVar (database versions not stated): gnomAD exomes 0.00001; TOPMed 0.00001; ExAC 0.00001.
gnomAD v4.1: 22 of 1,613,934 alleles (0.0014%); highest among the groups gnomAD compares: Middle Eastern, 0.017%; no homozygotes.

Submissions (2):

Labcorp Genetics (formerly Invitae), Labcorp
Classification: Uncertain significance for Spongy degeneration of central nervous system. Last evaluated: 2025-06-12. Review status: criteria provided, single submitter. Criteria: Invitae Variant Classification Sherloc (09022015). Collection method: clinical testing. Allele origin: germline.
Comment: This sequence change replaces asparagine, which is neutral and polar, with serine, which is neutral and polar, at codon 97 of the ASPA protein (p.Asn97Ser). This variant is present in population databases (rs763469507, gnomAD 0.003%). This variant has not been reported in the literature in individuals affected with ASPA-related conditions. ClinVar contains an entry for this variant (Variation ID: 2147169). Invitae Evidence Modeling of protein sequence and biophysical properties (such as structural, functional, and spatial information, amino acid conservation, physicochemical variation, residue mobility, and thermodynamic stability) has been performed for this missense variant. However, the output from this modeling did not meet the statistical confidence thresholds required to predict the impact of this variant on ASPA protein function. In summary, the available evidence is currently insufficient to determine the role of this variant in disease. Therefore, it has been classified as a Variant of Uncertain Significance.

Ambry Genetics
Classification: Uncertain significance for Inborn genetic diseases. Last evaluated: 2024-05-05. Review status: criteria provided, single submitter. Criteria: Ambry Variant Classification Scheme 2023. Collection method: clinical testing. Allele origin: germline.
Comment: The p.N97S variant (also known as c.290A>G), located in coding exon 2 of the ASPA gene, results from an A to G substitution at nucleotide position 290. The asparagine at codon 97 is replaced by serine, an amino acid with highly similar properties. This amino acid position is conserved. In addition, the in silico prediction for this alteration is inconclusive. Based on the available evidence, the clinical significance of this variant remains unclear.